The following is an entry in ClinVar:

NM_003737.4(DCHS1):c.3512G>A (p.Arg1171His)

Gene: DCHS1 (dachsous cadherin-related 1; minus strand). Cytogenetic location: 11p15.4.
Variant type: single nucleotide variant.
Coding change: c.3512G>A on transcript NM_003737.4 (MANE Select); coding-DNA position 3512, G replaced by A.
Protein change: p.Arg1171His; replaces arginine 1171 with histidine.
Molecular consequence: missense variant.
Genome position (GRCh38, 1-based): chr11:6,631,779, C>T on the plus strand (G>A on the coding strand, the complement: DCHS1 is on the minus strand). VCF-style: chr11-6631779-C-T. GRCh37 (hg19) VCF-style: chr11-6653010-C-T.
Other names: short protein forms R1171H.
Identifiers: ClinVar variation 2173960 (VCV002173960.4), dbSNP rs547827281, ClinGen allele CA217299145.
Genomic context (GRCh38, chr11:6,631,779, plus strand): 5'-CGGGGTGGGCTCCCTCCATCCTGCACCTGCACCAGGAGCTGATAGCTGCTCTGCTGCTCA[C>T]GGTCCAGGGTTTGGAGTGTGGTCACTTCTCCTGGGAGTGCAAGAAGGCGATCATGTACGA-3'
Protein context (NP_003728.1, residues 1161-1181): GEVTTLQTLD[Arg1171His]EQQSSYQLLV

ClinVar aggregate classification (germline): Uncertain significance (1 of 4 stars; one submission).

Allele frequency attached by ClinVar (database versions not stated): gnomAD 0.00001; TOPMed 0.00002.
gnomAD v4.1: 15 of 1,566,108 alleles (0.00096%); highest among the groups gnomAD compares: South Asian, 0.0048%; no homozygotes.

Submission:

Labcorp Genetics (formerly Invitae), Labcorp
Classification: Uncertain significance. Last evaluated: 2025-05-04. Review status: criteria provided, single submitter. Criteria: Invitae Variant Classification Sherloc (09022015). Collection method: clinical testing. Allele origin: germline.
Comment: This sequence change replaces arginine, which is basic and polar, with histidine, which is basic and polar, at codon 1171 of the DCHS1 protein (p.Arg1171His). The frequency data for this variant in the population databases is considered unreliable, as metrics indicate poor data quality at this position in the gnomAD database. This variant has not been reported in the literature in individuals affected with DCHS1-related conditions. ClinVar contains an entry for this variant (Variation ID: 2173960). Invitae Evidence Modeling of protein sequence and biophysical properties (such as structural, functional, and spatial information, amino acid conservation, physicochemical variation, residue mobility, and thermodynamic stability) has been performed for this missense variant. However, the output from this modeling did not meet the statistical confidence thresholds required to predict the impact of this variant on DCHS1 protein function. In summary, the available evidence is currently insufficient to determine the role of this variant in disease. Therefore, it has been classified as a Variant of Uncertain Significance.